The following is an entry in ClinVar:

ClinVar aggregate classification (germline): Conflicting classifications of pathogenicity. Review status: criteria provided, conflicting classifications (1 of 4 stars). 3 submissions from 3 submitters: Uncertain significance (2); Likely benign (1). Last evaluated 2023-04-03.

Conditions:
Hereditary cancer-predisposing syndrome. Also called: Neoplastic Syndromes, Hereditary; Tumor predisposition; Hereditary neoplastic syndrome; Hereditary Cancer Syndrome. Identifiers: Orphanet 140162, MedGen C0027672, MeSH D009386, MONDO:0015356.
Breast-ovarian cancer, familial, susceptibility to, 2 (BROVCA2). Also called: BRCA2 Hereditary Breast and Ovarian Cancer. Identifiers: Orphanet 145, MedGen C2675520, MONDO:0012933, OMIM 612555. Disease mechanism: loss of function.

Submissions (3):

All of Us Research Program, National Institutes of Health
Classification: Uncertain significance for Breast-ovarian cancer, familial, susceptibility to, 2. Last evaluated: 2023-04-03. Review status: criteria provided, single submitter. Criteria: ACMG Guidelines, 2015. Collection method: clinical testing. Allele origin: germline. Inheritance: Autosomal dominant inheritance. Observed: 1 variant allele, 1 heterozygote.
Comment: This missense variant replaces alanine with threonine at codon 1527 of the BRCA2 protein. Computational prediction suggests that this variant may have deleterious impact on protein structure and function (internally defined REVEL score threshold >= 0.7, PMID: 27666373). To our knowledge, functional studies have not been reported for this variant. This variant has not been reported in individuals affected with hereditary cancer in the literature. This variant has not been identified in the general population by the Genome Aggregation Database (gnomAD). The available evidence is insufficient to determine the role of this variant in disease conclusively. Therefore, this variant is classified as a Variant of Uncertain Significance.

This study involves interpretation of variants in research participants for the purpose of population health screening. Participant phenotype was not available at the time of variant classification. Additional details can be found in publication PMID: 35346344, PMCID: PMC8962531

University of Washington Department of Laboratory Medicine, University of Washington
Classification: Likely benign for Hereditary cancer-predisposing syndrome. Last evaluated: 2023-03-23. Review status: criteria provided, single submitter. Criteria: Dines et al. (Genet Med. 2020). Collection method: curation. Allele origin: germline.
Comment: Missense variant in a coldspot region where missense variants are very unlikely to be pathogenic (PMID:31911673).

BRCA2 exon 11 coldspot. Reclassification based on statistical prior probability.

GeneDx
Classification: Uncertain significance. Last evaluated: 2015-10-29. Review status: criteria provided, single submitter. Criteria: GeneDx Variant Classification (06012015). Collection method: clinical testing. Allele origin: germline. Affected: yes.
Comment: This variant is denoted BRCA2 c.4579G>A at the cDNA level, p.Ala1527Thr (A1527T) at the protein level, and results in the change of an Alanine to a Threonine (GCT>ACT). Using alternate nomenclature, this variant would be defined as BRCA2 4807G>A. This variant has not, to our knowledge, been published in the literature as pathogenic or benign. BRCA2 Ala1527Thr was not observed in approximately 6,500 individuals of European and African American ancestry in the NHLBI Exome Sequencing Project, suggesting it is not a common benign variant in these populations. Since Alanine and Threonine differ in polarity, charge, size or other properties, this is considered a non-conservative amino acid substitution. BRCA2 Ala1527Thr occurs at a position that is conserved across species and is located in the BRC repeats and the region of interaction with Rad51 and POLH that is required for stimulation of POLH DNA polymerization activity (Roy 2012, UniProt). In silico analyses are inconsistent regarding the effect this variant may have on protein structure and function. Based on currently available evidence, it is unclear whether BRCA2 Ala1527Thr is a pathogenic or benign variant. We consider it to be a variant of uncertain significance.

NM_000059.4(BRCA2):c.4579G>A (p.Ala1527Thr)

Gene: BRCA2 (BRCA2 DNA repair associated; plus strand). Cytogenetic location: 13q13.1.
Variant type: single nucleotide variant.
Coding change: c.4579G>A on transcript NM_000059.4 (MANE Select); coding-DNA position 4579, G replaced by A.
Protein change: p.Ala1527Thr; replaces alanine 1527 with threonine.
Molecular consequence: missense variant.
Genome position (GRCh38, 1-based): chr13:32,338,934, G>A. VCF-style: chr13-32338934-G-A. GRCh37 (hg19) VCF-style: chr13-32913071-G-A.
Other names: short protein forms A1527T.
Identifiers: ClinVar variation 246055 (VCV000246055.5), dbSNP rs879254071, ClinGen allele CA10584445.